The following is an entry in ClinVar:

ClinVar aggregate classification (germline): Uncertain significance. Review status: criteria provided, multiple submitters, no conflicts (2 of 4 stars). 3 submissions from 3 submitters: Uncertain significance (3). Last evaluated 2025-07-09.

Conditions:
Cardiovascular phenotype. Identifiers: MedGen CN230736.
Charcot-Marie-Tooth disease type 2. Also called: Charcot-Marie-Tooth type 2. Identifiers: Orphanet 64746, MedGen C0270914, MONDO:0018993.

Submissions (3):

Ambry Genetics
Classification: Uncertain significance for Cardiovascular phenotype. Last evaluated: 2025-07-09. Review status: criteria provided, single submitter. Criteria: Ambry Variant Classification Scheme 2023. Collection method: clinical testing. Allele origin: germline.
Comment: The c.800_802dupATT variant (also known as p.Y267dup), located in coding exon 4 of the LMNA gene, results from an in-frame duplication of ATT at nucleotide positions 800 to 802. This results in the duplication of an extra tyrosine residue between codons 267 and 268. This variant was reported in individual(s) with features consistent with laminopathy (Ambry internal data). This amino acid position is highly conserved in available vertebrate species. In addition, this variant is predicted to be deleterious by in silico analysis (Choi Y et al. PLoS ONE. 2012; 7(10):e46688). Based on the available evidence, the clinical significance of this variant remains unclear.

Labcorp Genetics (formerly Invitae), Labcorp
Classification: Uncertain significance for Charcot-Marie-Tooth disease type 2. Last evaluated: 2023-11-24. Review status: criteria provided, single submitter. Criteria: Invitae Variant Classification Sherloc (09022015). Collection method: clinical testing. Allele origin: germline.
Comment: This variant, c.800_802dup, results in the insertion of 1 amino acid(s) of the LMNA protein (p.Tyr267dup), but otherwise preserves the integrity of the reading frame. This variant is not present in population databases (gnomAD no frequency). This variant has been observed in individual(s) with clinical features of LMNA-related conditions (Invitae). ClinVar contains an entry for this variant (Variation ID: 1486141). Experimental studies and prediction algorithms are not available or were not evaluated, and the functional significance of this variant is currently unknown. In summary, the available evidence is currently insufficient to determine the role of this variant in disease. Therefore, it has been classified as a Variant of Uncertain Significance.

Revvity Omics, Revvity
Classification: Uncertain significance. Last evaluated: 2023-01-04. Review status: criteria provided, single submitter. Criteria: ACMG Guidelines, 2015. Collection method: clinical testing. Allele origin: germline.

NM_170707.4(LMNA):c.800_802dup (p.Tyr267dup)

Gene: LMNA (lamin A/C; plus strand). Cytogenetic location: 1q22.
Variant type: Duplication.
Coding change: c.800_802dup on transcript NM_170707.4 (MANE Select); coding-DNA positions 800 to 802, 3 bases duplicated (ATT; older notation c.800_802dupATT).
Protein change: p.Tyr267dup; duplicates tyrosine 267.
Molecular consequence: inframe insertion.
Genome position (GRCh38, 1-based): chr1:156,134,965-156,134,967, ATT duplicated; duplicating any 3 consecutive bases within chr1:156,134,963-156,134,967 gives the same sequence; the c. name uses the placement nearest the transcript's 3' end. VCF-style (leftmost placement, unchanged base first): chr1-156134962-C-CTTA. GRCh37 (hg19) VCF-style: chr1-156104753-C-CTTA.
Other names: c.464_466dup, p.Tyr155dup (NM_001257374.3); c.557_559dup, p.Tyr186dup (NM_001282624.2); c.800_802dup, p.Tyr267dup (NM_001282625.2, NM_001282626.2, NM_005572.4 and 1 more transcripts); c.800_802dupATT (NM_170707.2).
Identifiers: ClinVar variation 1486141 (VCV001486141.9), dbSNP rs2102882045, ClinGen allele CA2573130596.
Genomic context (GRCh38, chr1:156,134,962, plus strand): 5'-AGGAACTGCGGGCCCAGCATGAGGACCAGGTGGAGCAGTATAAGAAGGAGCTGGAGAAGA[C>CTTA]TTATTCTGCCAAGGTGCTTGCTCTCGATTGGTTCCCTCACTGCCTCTGCCCTTGGCAGCC-3'